The following is an entry in ClinVar:

ClinVar aggregate classification (germline): Uncertain significance. Review status: criteria provided, multiple submitters, no conflicts (2 of 4 stars). 2 submissions from 2 submitters: Uncertain significance (2). Last evaluated 2025-03-07.

Conditions:
Peroxisome biogenesis disorder, complementation group K (CGK). Identifiers: MedGen C1866257, MONDO:0800365.
Inborn genetic diseases. Identifiers: MedGen C0950123, MeSH D030342.

Allele frequency attached by ClinVar (database versions not stated): gnomAD exomes 0.00001 and 0.00007; gnomAD 0.00002; TOPMed 0.00004; ExAC 0.00005.
gnomAD v4.1: 17 of 1,581,594 alleles (0.0011%); highest among the groups gnomAD compares: East Asian, 0.023%; no homozygotes.

Submissions (2):

Ambry Genetics
Classification: Uncertain significance for Inborn genetic diseases. Last evaluated: 2025-03-07. Review status: criteria provided, single submitter. Criteria: Ambry Variant Classification Scheme 2023. Collection method: clinical testing. Allele origin: germline.

Labcorp Genetics (formerly Invitae), Labcorp
Classification: Uncertain significance for Peroxisome biogenesis disorder, complementation group K. Last evaluated: 2022-10-05. Review status: criteria provided, single submitter. Criteria: Invitae Variant Classification Sherloc (09022015). Collection method: clinical testing. Allele origin: germline.
Comment: This sequence change replaces methionine, which is neutral and non-polar, with leucine, which is neutral and non-polar, at codon 311 of the PEX14 protein (p.Met311Leu). This variant is present in population databases (rs761789278, gnomAD 0.09%). This variant has not been reported in the literature in individuals affected with PEX14-related conditions. ClinVar contains an entry for this variant (Variation ID: 1011659). Advanced modeling of protein sequence and biophysical properties (such as structural, functional, and spatial information, amino acid conservation, physicochemical variation, residue mobility, and thermodynamic stability) performed at Invitae indicates that this missense variant is not expected to disrupt PEX14 protein function. In summary, the available evidence is currently insufficient to determine the role of this variant in disease. Therefore, it has been classified as a Variant of Uncertain Significance.

NM_004565.3(PEX14):c.931A>T (p.Met311Leu)

Gene: PEX14 (peroxisomal biogenesis factor 14; plus strand). Cytogenetic location: 1p36.22.
Variant type: single nucleotide variant.
Coding change: c.931A>T on transcript NM_004565.3 (MANE Select); coding-DNA position 931, A replaced by T.
Protein change: p.Met311Leu; replaces methionine 311 with leucine.
Molecular consequence: missense variant.
Genome position (GRCh38, 1-based): chr1:10,629,784, A>T. VCF-style: chr1-10629784-A-T. GRCh37 (hg19) VCF-style: chr1-10689841-A-T.
Other names: c.931A>T (NM_004565.2); short protein forms M311L.
Identifiers: ClinVar variation 1011659 (VCV001011659.7), dbSNP rs761789278, ClinGen allele CA584001.